The following is an entry in ClinVar:

NM_031407.7(HUWE1):c.1953C>G (p.Pro651=)

Gene: HUWE1 (HECT, UBA and WWE domain containing E3 ubiquitin protein ligase 1; minus strand). Cytogenetic location: Xp11.22.
Variant type: single nucleotide variant.
Coding change: c.1953C>G on transcript NM_031407.7 (MANE Select); coding-DNA position 1953, C replaced by G.
Protein change: p.Pro651=; no amino-acid change (proline 651 retained).
Molecular consequence: synonymous variant.
Genome position (GRCh38, 1-based): chrX:53,616,974, G>C on the plus strand (C>G on the coding strand, the complement: HUWE1 is on the minus strand). VCF-style: chrX-53616974-G-C. GRCh37 (hg19) VCF-style: chrX-53643935-G-C.
Identifiers: ClinVar variation 435482 (VCV000435482.21), dbSNP rs139152809, ClinGen allele CA10422781.

ClinVar aggregate classification (germline): Benign/Likely benign. Review status: criteria provided, multiple submitters, no conflicts (2 of 4 stars). 6 submissions from 6 submitters: Benign (2); Likely benign (3). 1 of the submissions does not count toward it. Last evaluated 2026-04-01.

Conditions:
Inborn genetic diseases. Identifiers: MedGen C0950123, MeSH D030342.
HUWE1-related disorder. Also called: HUWE1-related condition.

Allele frequency attached by ClinVar (database versions not stated): ExAC 0.00039; 1000 Genomes Project 30x 0.00083; gnomAD 0.00100 and 0.00108; 1000 Genomes Project 0.00106; TOPMed 0.00110; ESP Exome Variant Server 0.00133.
gnomAD v4.1: 222 of 1,203,680 alleles (0.018%); highest among the groups gnomAD compares: African/African-American, 0.37%; no homozygotes.

Submissions (6):

CeGaT Center for Human Genetics Tuebingen
Classification: Likely benign. Last evaluated: 2026-04-01. Review status: criteria provided, single submitter. Criteria: CeGaT Center For Human Genetics Tuebingen Variant Classification Criteria Version 2. Collection method: clinical testing. Allele origin: germline. Affected: yes. Observed: 1 variant allele.
Comment: HUWE1: BP4, BP7, BS2

Labcorp Genetics (formerly Invitae), Labcorp
Classification: Benign. Last evaluated: 2025-12-30. Review status: criteria provided, single submitter. Criteria: Invitae Variant Classification Sherloc (09022015). Collection method: clinical testing. Allele origin: germline.

GeneDx
Classification: Benign. Last evaluated: 2020-06-11. Review status: criteria provided, single submitter. Criteria: GeneDx Variant Classification Process June 2021. Collection method: clinical testing. Allele origin: germline. Affected: yes.

Ambry Genetics
Classification: Likely benign for Inborn genetic diseases. Last evaluated: 2017-01-17. Review status: criteria provided, single submitter. Criteria: Ambry Variant Classification Scheme 2023. Collection method: clinical testing. Allele origin: germline.

Genetic Services Laboratory, University of Chicago
Classification: Likely benign. Last evaluated: 2016-10-31. Review status: criteria provided, single submitter. Criteria: ACMG Guidelines, 2015. Collection method: clinical testing. Allele origin: germline. Affected: no.

PreventionGenetics, part of Exact Sciences
Classification: Benign for HUWE1-related condition. Last evaluated: 2019-08-12. Review status: no assertion criteria provided. Collection method: clinical testing. Allele origin: germline. Not counted in ClinVar's aggregate classification.
Comment: This variant is classified as benign based on ACMG/AMP sequence variant interpretation guidelines (Richards et al. 2015 PMID: 25741868, with internal and published modifications).